The following is an entry in ClinVar:

NM_000352.6(ABCC8):c.1752del (p.His584fs)

Gene: ABCC8 (ATP binding cassette subfamily C member 8; minus strand). Cytogenetic location: 11p15.1.
Variant type: Deletion.
Coding change: c.1752del on transcript NM_000352.6 (MANE Select); coding-DNA position 1752, one base deleted (T; older notation c.1752delT).
Protein change: p.His584fs; shifts the reading frame from histidine 584.
Molecular consequence: frameshift variant. On other transcripts: non-coding transcript variant (1).
Genome position (GRCh38, 1-based): chr11:17,430,879, A deleted on the plus strand (T on the coding strand, the reverse complement: ABCC8 is on the minus strand). VCF-style (leftmost placement, unchanged base first): chr11-17430878-TA-T. GRCh37 (hg19) VCF-style: chr11-17452425-TA-T.
Other names: c.1752del, p.His584fs (NM_001287174.3, NM_001351295.2); c.1749del, p.His583fs (NM_001351296.2, NM_001351297.2); short protein forms H584fs, H583fs.
Identifiers: ClinVar variation 434060 (VCV000434060.7), dbSNP rs1554926539, ClinGen allele CA645372892.
Genomic context (GRCh38, chr11:17,430,878, plus strand): 5'-CTAGAGCTTTGACGGTAGATCGGACCACACTGGACAGCAGGAACAGCGGTGTGACCAAGA[TA>T]TGGAAGAGGGAGAGGGAGGCAAAGGCCACGGAGGGCGAGAAGTCGGCCTCTTTGAAGAAG-3'

ClinVar aggregate classification (germline): Conflicting classifications of pathogenicity. Review status: criteria provided, conflicting classifications (1 of 4 stars). 3 submissions from 2 submitters: Pathogenic (1); Uncertain significance (2). Last evaluated 2017-02-17.

Conditions:
Hyperinsulinemic hypoglycemia, familial, 1 (HHF1). Also called: Persistent hyperinsulinemic hypoglycemia of infancy; Persistent Hyperinsulinemia Hypoglycemia of Infancy; HYPERINSULINISM, FAMILIAL, WITH PANCREATIC NESIDIOBLASTOSIS; HYPOGLYCEMIA, HYPERINSULINEMIC, OF INFANCY; NESIDIOBLASTOSIS OF PANCREAS. Identifiers: Orphanet 276575, Orphanet 276598, MedGen C2931832, MONDO:0009734, OMIM 256450.
Transitory neonatal diabetes mellitus. Also called: Transient neonatal diabetes mellitus. Identifiers: MedGen C0342273, MONDO:0020525, HP:0008255.
Maturity-onset diabetes of the young (MODY). Also called: Maturity onset diabetes mellitus in young. Identifiers: Orphanet 552, MedGen C0342276, MONDO:0018911, HP:0004904.

Submissions (3):

Genetic Services Laboratory, University of Chicago
Classification: Pathogenic for Hyperinsulinemic hypoglycemia, familial, 1. Last evaluated: 2017-02-17. Review status: criteria provided, single submitter. Criteria: ACMG Guidelines, 2015. Collection method: clinical testing. Allele origin: germline. Affected: yes.

Clinical Genomics, Uppaluri K&H Personalized Medicine Clinic
Classification: Uncertain significance for Transitory neonatal diabetes mellitus. Review status: criteria provided, single submitter. Criteria: K & H Uppaluri Personalized Medicine Clinic Variant Classification & Assertion Criteria_Updated V.1. Collection method: research. Allele origin: unknown. Inheritance: Somatic mutation.
Comment: Mutations in ABCC8 gene are associated with both neonatal diabetes mellitus as well as MODY. Patients with this mutation may have a better response to sulfonylureas. However, no sufficient evidence is found to ascertain the role of this particular variant (rs1554926539) in neonatal diabetes yet.

Clinical Genomics, Uppaluri K&H Personalized Medicine Clinic
Classification: Uncertain significance for Maturity-onset diabetes of the young. Review status: criteria provided, single submitter. Criteria: K & H Uppaluri Personalized Medicine Clinic Variant Classification & Assertion Criteria_Updated V.1. Collection method: research. Allele origin: unknown. Inheritance: Somatic mutation.
Comment: Mutations in ABCC8 gene are associated with both neonatal diabetes mellitus as well as MODY. Patients with this mutation may have a better response to sulfonylureas. However, no sufficient evidence is found to ascertain the role of this particular variant (rs1554926539) in MODY yet.

Literature cited by the submitters: PubMed 16885549 (cited by Clinical Genomics, Uppaluri K&H Personalized Medicine Clinic); PubMed 21989597 (cited by Clinical Genomics, Uppaluri K&H Personalized Medicine Clinic); PubMed 27538677 (cited by Clinical Genomics, Uppaluri K&H Personalized Medicine Clinic); PubMed 18981553 (cited by Clinical Genomics, Uppaluri K&H Personalized Medicine Clinic); PubMed 32027066 (cited by Clinical Genomics, Uppaluri K&H Personalized Medicine Clinic); PubMed 16613899 (cited by Clinical Genomics, Uppaluri K&H Personalized Medicine Clinic); PubMed 18025408 (cited by Clinical Genomics, Uppaluri K&H Personalized Medicine Clinic); PubMed 32792356 (cited by Clinical Genomics, Uppaluri K&H Personalized Medicine Clinic).